The following is an entry in ClinVar:

ClinVar aggregate classification (germline): Conflicting classifications of pathogenicity. Review status: criteria provided, conflicting classifications (1 of 4 stars). 6 submissions from 6 submitters: Uncertain significance (1); Likely benign (5). Last evaluated 2026-07-01.

Conditions:
Ehlers-Danlos syndrome, type 4 (EDSVASC). Also called: Ehlers-Danlos Syndrome Type IV; Ehlers-Danlos syndrome vascular type; Ehlers Danlos syndrome, ecchymotic type; Ehlers Danlos syndrome, arterial type; Ehlers Danlos syndrome, Sack-Barabas type. Identifiers: Orphanet 286, MedGen C0268338, MONDO:0017314, OMIM 130050.
Familial thoracic aortic aneurysm and aortic dissection (TAAD). Also called: Thoracic aortic aneurysms and dissections. Identifiers: Orphanet 91387, MedGen C4707243, MONDO:0019625.
Ehlers-Danlos syndrome (EDS). Identifiers: Orphanet 98249, MedGen C0013720, MONDO:0020066.

Allele frequency attached by ClinVar (database versions not stated): ExAC 0.00001; 1000 Genomes Project 30x 0.00016; 1000 Genomes Project 0.00020.
gnomAD v4.1: 10 of 1,614,050 alleles (0.00062%); highest among the groups gnomAD compares: African/African-American, 0.0027%; no homozygotes.

Submissions (6):

CeGaT Center for Human Genetics Tuebingen
Classification: Likely benign. Last evaluated: 2026-07-01. Review status: criteria provided, single submitter. Criteria: CeGaT Center For Human Genetics Tuebingen Variant Classification Criteria Version 2. Collection method: clinical testing. Allele origin: germline. Affected: yes. Observed: 1 variant allele.
Comment: COL3A1: BP4, BP7

Labcorp Genetics (formerly Invitae), Labcorp
Classification: Likely benign for Ehlers-Danlos syndrome, type 4. Last evaluated: 2025-12-24. Review status: criteria provided, single submitter. Criteria: Invitae Variant Classification Sherloc (09022015). Collection method: clinical testing. Allele origin: germline.

All of Us Research Program, National Institutes of Health
Classification: Likely benign for Ehlers-Danlos syndrome, type 4. Last evaluated: 2023-05-08. Review status: criteria provided, single submitter. Criteria: ACMG Guidelines, 2015. Collection method: clinical testing. Allele origin: germline. Inheritance: Autosomal dominant inheritance. Observed: 1 variant allele, 1 heterozygote.
Comment: This study involves interpretation of variants in research participants for the purpose of population health screening. Participant phenotype was not available at the time of variant classification. Additional details can be found in publication PMID: 35346344, PMCID: PMC8962531

Genome Diagnostics Laboratory, The Hospital for Sick Children
Classification: Uncertain significance for Ehlers-Danlos syndrome. Last evaluated: 2021-10-19. Review status: criteria provided, single submitter. Criteria: ACMG Guidelines, 2015. Collection method: clinical testing. Allele origin: germline.

Blueprint Genetics
Classification: Likely benign. Last evaluated: 2019-12-04. Review status: criteria provided, single submitter. Criteria: ACMG Guidelines, 2015. Collection method: clinical testing. Allele origin: germline.

Color Diagnostics, LLC DBA Color Health
Classification: Likely benign for Familial thoracic aortic aneurysm and aortic dissection. Last evaluated: 2019-02-08. Review status: criteria provided, single submitter. Criteria: ACMG Guidelines, 2015. Collection method: clinical testing. Allele origin: germline.

NM_000090.4(COL3A1):c.1329C>T (p.Pro443=)

Gene: COL3A1 (collagen type III alpha 1 chain; plus strand). Cytogenetic location: 2q32.2.
Variant type: single nucleotide variant.
Coding change: c.1329C>T on transcript NM_000090.4 (MANE Select); coding-DNA position 1329, C replaced by T.
Protein change: p.Pro443=; no amino-acid change (proline 443 retained).
Molecular consequence: synonymous variant.
Genome position (GRCh38, 1-based): chr2:188,994,576, C>T. VCF-style: chr2-188994576-C-T. GRCh37 (hg19) VCF-style: chr2-189859302-C-T.
Identifiers: ClinVar variation 923370 (VCV000923370.11), dbSNP rs527291598, ClinGen allele CA074156.